The following is an entry in ClinVar:

ClinVar aggregate classification (germline): Uncertain significance (1 of 4 stars; one submission).

gnomAD v4.1: 2 of 1,614,192 alleles (0.00012%); highest among the groups gnomAD compares: South Asian, 0.0022%; no homozygotes.

Submission:

GeneDx
Classification: Uncertain significance. Last evaluated: 2025-03-12. Review status: criteria provided, single submitter. Criteria: GeneDx Variant Classification Process June 2021. Collection method: clinical testing. Allele origin: germline. Affected: yes.
Comment: Not observed at significant frequency in large population cohorts (gnomAD); In silico analysis indicates that this missense variant does not alter protein structure/function; Has not been previously published as pathogenic or benign to our knowledge

NM_001457.4(FLNB):c.2200G>A (p.Val734Ile)

Gene: FLNB (filamin B; plus strand). Cytogenetic location: 3p14.3.
Variant type: single nucleotide variant.
Coding change: c.2200G>A on transcript NM_001457.4 (MANE Select); coding-DNA position 2200, G replaced by A.
Protein change: p.Val734Ile; replaces valine 734 with isoleucine.
Molecular consequence: missense variant.
Genome position (GRCh38, 1-based): chr3:58,109,576, G>A. VCF-style: chr3-58109576-G-A. GRCh37 (hg19) VCF-style: chr3-58095303-G-A.
Other names: c.2200G>A, p.Val734Ile (NM_001164317.2, NM_001164318.2, NM_001164319.2); short protein forms V734I.
Identifiers: ClinVar variation 4083238 (VCV004083238.1).